The following is an entry in ClinVar:

NM_138272.3(MPIG6B):c.185C>A (p.Pro62Gln)

Gene: MPIG6B (megakaryocyte and platelet inhibitory receptor G6b; plus strand). Cytogenetic location: 6p21.33.
Variant type: single nucleotide variant.
Coding change: c.185C>A on transcript NM_138272.3 (MANE Select); coding-DNA position 185, C replaced by A.
Protein change: p.Pro62Gln; replaces proline 62 with glutamine.
Molecular consequence: missense variant.
Genome position (GRCh38, 1-based): chr6:31,723,762, C>A. VCF-style: chr6-31723762-C-A. GRCh37 (hg19) VCF-style: chr6-31691539-C-A.
Other names: c.185C>A, p.Pro62Gln (NM_025260.4, NM_138273.3, NM_138274.3 and 2 more transcripts); short protein forms P62Q.
Identifiers: ClinVar variation 3057590 (VCV003057590.2), dbSNP rs148282893, ClinGen allele CA3720267.
Genomic context (GRCh38, chr6:31,723,762, plus strand): 5'-TCCGCTGGGTCTGGGCACCCAGCTTCCCGGCCTGCAAGGGCCTGTCCAAAGGACGCCGAC[C>A]GATCCTGTGGGCCTCTTCGAGCGGGACCCCCACCGTGCCTCCCCTCCAGCCTTTCGTCGG-3'
Protein context (NP_612116.1, residues 52-72): ACKGLSKGRR[Pro62Gln]ILWASSSGTP

ClinVar aggregate classification (germline): Likely benign (0 of 4 stars; one submission).

Conditions:
MPIG6B-related disorder. Also called: MPIG6B-related condition.

Allele frequency attached by ClinVar (database versions not stated): 1000 Genomes Project 30x 0.00062; 1000 Genomes Project 0.00080; ESP Exome Variant Server 0.00192.

Submission:

PreventionGenetics, part of Exact Sciences
Classification: Likely benign for MPIG6B-related condition. Last evaluated: 2023-02-21. Review status: no assertion criteria provided. Collection method: clinical testing. Allele origin: germline.
Comment: This variant is classified as likely benign based on ACMG/AMP sequence variant interpretation guidelines (Richards et al. 2015 PMID: 25741868, with internal and published modifications).